The following is an entry in ClinVar:

NM_001037.5(SCN1B):c.448+311G>A

Gene: SCN1B (sodium voltage-gated channel beta subunit 1; plus strand). Cytogenetic location: 19q13.11.
Variant type: single nucleotide variant.
Coding change: c.448+311G>A on transcript NM_001037.5 (MANE Select); 311 bases into the intron after coding-DNA position 448, G replaced by A.
Molecular consequence: intron variant. On other transcripts: synonymous variant (1).
Genome position (GRCh38, 1-based): chr19:35,034,050, G>A. VCF-style: chr19-35034050-G-A. GRCh37 (hg19) VCF-style: chr19-35524954-G-A.
Other names: c.759G>A, p.Leu253= (NM_199037.5); c.349+311G>A (NM_001321605.2).
Identifiers: ClinVar variation 413984 (VCV000413984.42), dbSNP rs1019053238, ClinGen allele CA16616278.

ClinVar aggregate classification (germline): Likely benign. Review status: criteria provided, multiple submitters, no conflicts (2 of 4 stars). 3 submissions from 3 submitters: Likely benign (3). Last evaluated 2024-08-22.

Conditions:
Brugada syndrome 5 (BRGDA5). Identifiers: Orphanet 130, Orphanet 871, MedGen C2748541, MONDO:0013015, OMIM 612838.

Allele frequency attached by ClinVar (database versions not stated): gnomAD exomes 0.00003; TOPMed 0.00006.
gnomAD v4.1: 16 of 1,550,612 alleles (0.001%); highest among the groups gnomAD compares: East Asian, 0.0049%; no homozygotes.

Submissions (3):

Blueprint Genetics
Classification: Likely benign. Last evaluated: 2024-08-22. Review status: criteria provided, single submitter. Criteria: ACMG Guidelines, 2015. Collection method: clinical testing. Allele origin: germline.

Labcorp Genetics (formerly Invitae), Labcorp
Classification: Likely benign for Brugada syndrome 5. Last evaluated: 2023-08-15. Review status: criteria provided, single submitter. Criteria: Invitae Variant Classification Sherloc (09022015). Collection method: clinical testing. Allele origin: germline.

CeGaT Center for Human Genetics Tuebingen
Classification: Likely benign. Last evaluated: 2022-09-01. Review status: criteria provided, single submitter. Criteria: CeGaT Center For Human Genetics Tuebingen Variant Classification Criteria Version 2. Collection method: clinical testing. Allele origin: germline. Affected: yes. Observed: 1 variant allele.
Comment: SCN1B: BP4, BP7